The following is an entry in ClinVar:

ClinVar aggregate classification (germline): Uncertain significance (1 of 4 stars; one submission).

Submission:

Labcorp Genetics (formerly Invitae), Labcorp
Classification: Uncertain significance. Last evaluated: 2021-12-09. Review status: criteria provided, single submitter. Criteria: Invitae Variant Classification Sherloc (09022015). Collection method: clinical testing. Allele origin: germline.
Comment: This sequence change replaces arginine, which is basic and polar, with glutamine, which is neutral and polar, at codon 135 of the LTBP2 protein (p.Arg135Gln). This variant is not present in population databases (gnomAD no frequency). This variant has not been reported in the literature in individuals affected with LTBP2-related conditions. Algorithms developed to predict the effect of missense changes on protein structure and function output the following: SIFT: "Deleterious"; PolyPhen-2: "Benign"; Align-GVGD: "Class C0". The glutamine amino acid residue is found in multiple mammalian species, which suggests that this missense change does not adversely affect protein function. In summary, the available evidence is currently insufficient to determine the role of this variant in disease. Therefore, it has been classified as a Variant of Uncertain Significance.

NM_000428.3(LTBP2):c.404G>A (p.Arg135Gln)

Gene: LTBP2 (latent transforming growth factor beta binding protein 2; minus strand). Cytogenetic location: 14q24.3.
Variant type: single nucleotide variant.
Coding change: c.404G>A on transcript NM_000428.3 (MANE Select); coding-DNA position 404, G replaced by A.
Protein change: p.Arg135Gln; replaces arginine 135 with glutamine.
Molecular consequence: missense variant.
Genome position (GRCh38, 1-based): chr14:74,611,541, C>T on the plus strand (G>A on the coding strand, the complement: LTBP2 is on the minus strand). VCF-style: chr14-74611541-C-T. GRCh37 (hg19) VCF-style: chr14-75078244-C-T.
Other names: short protein forms R135Q.
Identifiers: ClinVar variation 1423216 (VCV001423216.1), dbSNP rs2139815486, ClinGen allele CA390387692.